The following is an entry in ClinVar:

ClinVar aggregate classification (germline): Uncertain significance. Review status: criteria provided, single submitter (1 of 4 stars). 2 submissions from 2 submitters: Uncertain significance (1). 1 of the submissions does not count toward it. Last evaluated 2021-08-26.

Conditions:
Ataxia-telangiectasia syndrome (AT). Also called: Cerebello-oculocutaneous telangiectasia; Immunodeficiency with ataxia telangiectasia; LOUIS-BAR SYNDROME; AT, COMPLEMENTATION GROUP C; ATAXIA-TELANGIECTASIA, COMPLEMENTATION GROUP A; ATAXIA-TELANGIECTASIA, FRESNO VARIANT. Identifiers: Orphanet 100, MedGen C0004135, MONDO:0008840, OMIM 208900.

Allele frequency attached by ClinVar (database versions not stated): gnomAD exomes below 0.00001; ExAC 0.00001.
gnomAD v4.1: 1 of 1,614,020 alleles (0.000062%); highest among the groups gnomAD compares: East Asian, 0.0022%; no homozygotes.

Submissions (2):

Labcorp Genetics (formerly Invitae), Labcorp
Classification: Uncertain significance for Ataxia-telangiectasia syndrome. Last evaluated: 2021-08-26. Review status: criteria provided, single submitter. Criteria: Invitae Variant Classification Sherloc (09022015). Collection method: clinical testing. Allele origin: germline.
Comment: This sequence change replaces threonine with isoleucine at codon 1075 of the ATM protein (p.Thr1075Ile). The threonine residue is weakly conserved and there is a moderate physicochemical difference between threonine and isoleucine. This variant is present in population databases (rs756568555, ExAC 0.01%). This variant has not been reported in the literature in individuals affected with ATM-related conditions. Algorithms developed to predict the effect of missense changes on protein structure and function are either unavailable or do not agree on the potential impact of this missense change (SIFT: "Deleterious"; PolyPhen-2: "Benign"; Align-GVGD: "Class C15"). In summary, the available evidence is currently insufficient to determine the role of this variant in disease. Therefore, it has been classified as a Variant of Uncertain Significance.

Natera, Inc.
Classification: Uncertain significance for Ataxia-telangiectasia. Last evaluated: 2025-05-21. Review status: no assertion criteria provided. Collection method: clinical testing. Allele origin: germline. Not counted in ClinVar's aggregate classification.

NM_000051.4(ATM):c.3224C>T (p.Thr1075Ile)

Gene: ATM (ATM serine/threonine kinase; plus strand). Cytogenetic location: 11q22.3.
Variant type: single nucleotide variant.
Coding change: c.3224C>T on transcript NM_000051.4 (MANE Select); coding-DNA position 3224, C replaced by T.
Protein change: p.Thr1075Ile; replaces threonine 1075 with isoleucine.
Molecular consequence: missense variant.
Genome position (GRCh38, 1-based): chr11:108,272,792, C>T. VCF-style: chr11-108272792-C-T. GRCh37 (hg19) VCF-style: chr11-108143519-C-T.
Other names: c.3224C>T, p.Thr1075Ile (NM_001351834.2); short protein forms T1075I.
Identifiers: ClinVar variation 936860 (VCV000936860.8), dbSNP rs756568555, ClinGen allele CA6265228.